The following is an entry in ClinVar:

ClinVar aggregate classification (germline): Uncertain significance. Review status: criteria provided, single submitter (1 of 4 stars). 3 submissions from 3 submitters: Uncertain significance (1). 2 of the submissions do not count toward it. Last evaluated 2024-07-24.

Conditions:
Charcot-Marie-Tooth disease, axonal, autosomal recessive, type 2a2b;. Also called: Charcot-Marie-Tooth disease, axonal, type 2A2B; Charcot-Marie-Tooth disease, axonal, autosomal recessive, type 2A2B. Identifiers: MedGen C4310725, MONDO:0014906, OMIM 617087.
Charcot-Marie-Tooth disease. Also called: Charcot-Marie-Tooth Neuropathy; Charcot-Marie-Tooth Hereditary Neuropathy. Identifiers: Orphanet 166, MedGen C0007959, MONDO:0015626.
Charcot-Marie-Tooth disease type 2. Also called: Charcot-Marie-Tooth type 2. Identifiers: Orphanet 64746, MedGen C0270914, MONDO:0018993.

Allele frequency attached by ClinVar (database versions not stated): gnomAD exomes below 0.00001; TOPMed below 0.00001; ExAC 0.00001; gnomAD 0.00001; ESP Exome Variant Server 0.00008.
gnomAD v4.1: 5 of 1,614,052 alleles (0.00031%); highest among the groups gnomAD compares: Middle Eastern, 0.016%; no homozygotes.

Submissions (3):

Labcorp Genetics (formerly Invitae), Labcorp
Classification: Uncertain significance for Charcot-Marie-Tooth disease type 2. Last evaluated: 2024-07-24. Review status: criteria provided, single submitter. Criteria: Invitae Variant Classification Sherloc (09022015). Collection method: clinical testing. Allele origin: germline.
Comment: This sequence change replaces arginine, which is basic and polar, with histidine, which is basic and polar, at codon 519 of the MFN2 protein (p.Arg519His). This variant is present in population databases (rs373809750, gnomAD 0.0009%). This variant has not been reported in the literature in individuals affected with MFN2-related conditions. ClinVar contains an entry for this variant (Variation ID: 694951). Advanced modeling of protein sequence and biophysical properties (such as structural, functional, and spatial information, amino acid conservation, physicochemical variation, residue mobility, and thermodynamic stability) has been performed at Invitae for this missense variant, however the output from this modeling did not meet the statistical confidence thresholds required to predict the impact of this variant on MFN2 protein function. In summary, the available evidence is currently insufficient to determine the role of this variant in disease. Therefore, it has been classified as a Variant of Uncertain Significance.

Genesis Genome Database
Classification: Uncertain significance for Charcot-Marie-Tooth disease. Last evaluated: 2019-08-14. Review status: no assertion criteria provided. Collection method: research. Allele origin: germline. Affected: yes. Not counted in ClinVar's aggregate classification.

Next Generation Genetic Polyclinic
Classification: Uncertain significance for Charcot-Marie-Tooth disease, axonal, autosomal recessive, type 2a2b;. Review status: no assertion criteria provided. Collection method: clinical testing. Allele origin: inherited. Affected: yes. Not counted in ClinVar's aggregate classification.

NM_014874.4(MFN2):c.1556G>A (p.Arg519His)

Gene: MFN2 (mitofusin 2; plus strand). Cytogenetic location: 1p36.22.
Variant type: single nucleotide variant.
Coding change: c.1556G>A on transcript NM_014874.4 (MANE Select); coding-DNA position 1556, G replaced by A.
Protein change: p.Arg519His; replaces arginine 519 with histidine.
Molecular consequence: missense variant.
Genome position (GRCh38, 1-based): chr1:12,005,771, G>A. VCF-style: chr1-12005771-G-A. GRCh37 (hg19) VCF-style: chr1-12065828-G-A.
Other names: c.1556G>A, p.Arg519His (NM_001127660.2); short protein forms R519H.
Identifiers: ClinVar variation 694951 (VCV000694951.11), dbSNP rs373809750, ClinGen allele CA599156.